The following is an entry in ClinVar:

NM_144643.4(SCLT1):c.1221G>C (p.Glu407Asp)

Gene: SCLT1 (sodium channel and clathrin linker 1; minus strand). Cytogenetic location: 4q28.2.
Variant type: single nucleotide variant.
Coding change: c.1221G>C on transcript NM_144643.4 (MANE Select); coding-DNA position 1221, G replaced by C.
Protein change: p.Glu407Asp; replaces glutamic acid 407 with aspartic acid.
Molecular consequence: missense variant.
Genome position (GRCh38, 1-based): chr4:128,948,568, C>G on the plus strand (G>C on the coding strand, the complement: SCLT1 is on the minus strand). VCF-style: chr4-128948568-C-G. GRCh37 (hg19) VCF-style: chr4-129869723-C-G.
Other names: c.1221G>C, p.Glu407Asp (NM_001410807.1); short protein forms E407D.
Identifiers: ClinVar variation 2105472 (VCV002105472.4), dbSNP rs763457788, ClinGen allele CA358187408.

ClinVar aggregate classification (germline): Uncertain significance (1 of 4 stars; one submission).

Submission:

Labcorp Genetics (formerly Invitae), Labcorp
Classification: Uncertain significance. Last evaluated: 2024-12-02. Review status: criteria provided, single submitter. Criteria: Invitae Variant Classification Sherloc (09022015). Collection method: clinical testing. Allele origin: germline.
Comment: This sequence change replaces glutamic acid, which is acidic and polar, with aspartic acid, which is acidic and polar, at codon 407 of the SCLT1 protein (p.Glu407Asp). This variant is not present in population databases (gnomAD no frequency). This variant has not been reported in the literature in individuals affected with SCLT1-related conditions. ClinVar contains an entry for this variant (Variation ID: 2105472). An algorithm developed to predict the effect of missense changes on protein structure and function outputs the following: PolyPhen-2: "Benign". The aspartic acid amino acid residue is found in multiple mammalian species, which suggests that this missense change does not adversely affect protein function. In summary, the available evidence is currently insufficient to determine the role of this variant in disease. Therefore, it has been classified as a Variant of Uncertain Significance.